The following is an entry in ClinVar:

NM_000254.3(MTR):c.1784A>C (p.His595Pro)

Gene: MTR (5-methyltetrahydrofolate-homocysteine methyltransferase; plus strand). Cytogenetic location: 1q43.
Variant type: single nucleotide variant.
Coding change: c.1784A>C on transcript NM_000254.3 (MANE Select); coding-DNA position 1784, A replaced by C.
Protein change: p.His595Pro; replaces histidine 595 with proline.
Molecular consequence: missense variant.
Genome position (GRCh38, 1-based): chr1:236,852,609, A>C. VCF-style: chr1-236852609-A-C. GRCh37 (hg19) VCF-style: chr1-237015909-A-C.
Other names: c.1784A>C, p.His595Pro (NM_001291939.1, NM_001410942.1); c.563A>C, p.His188Pro (NM_001291940.2); short protein forms H188P, H595P.
Identifiers: ClinVar variation 3339758 (VCV003339758.2).
Genomic context (GRCh38, chr1:236,852,609, plus strand): 5'-GAGGTCTTTCCAACTTGTCCTTCTCCTTCCGAGGAATGGAAGCCATTCGAGAAGCAATGC[A>C]TGGGGTTTTCCTTTACCATGCAATCAAGGTATGGTAGAAGAACTCTTAGCCCTGCGGAAA-3'
Protein context (NP_000245.2, residues 585-605): RGMEAIREAM[His595Pro]GVFLYHAIKS

ClinVar aggregate classification (germline): Conflicting classifications of pathogenicity. Review status: criteria provided, conflicting classifications (1 of 4 stars). 2 submissions from 2 submitters: Likely pathogenic (1); Uncertain significance (1). Last evaluated 2024-06-04.

Conditions:
Methylcobalamin deficiency type cblG (HMAG). Also called: HOMOCYSTINURIA-MEGALOBLASTIC ANEMIA, cblG COMPLEMENTATION TYPE; HOMOCYSTINURIA-MEGALOBLASTIC ANEMIA, cblG TYPE; Functional methionine synthase deficiency type cblG; HOMOCYSTINURIA-MEGALOBLASTIC ANEMIA DUE TO DEFECT IN COBALAMIN METABOLISM, cblG COMPLEMENTATION TYPE. Identifiers: Orphanet 2170, Orphanet 622, MedGen C1855128, MONDO:0009609, OMIM 250940.
Neural tube defects, folate-sensitive (NTDFS). Also called: NTD, FOLATE-SENSITIVE. Identifiers: Orphanet 823, MedGen C1866558, MONDO:0011120, OMIM 601634.

gnomAD v4.1: 2 of 1,614,026 alleles (0.00012%); highest among the groups gnomAD compares: Non-Finnish European, 0.00017%; no homozygotes.

Submissions (2):

Fulgent Genetics
Classification: Likely pathogenic for Methylcobalamin deficiency type cblG; Neural tube defects, folate-sensitive. Last evaluated: 2024-06-04. Review status: criteria provided, single submitter. Criteria: ACMG Guidelines, 2015. Collection method: clinical testing. Allele origin: germline.

Women's Health and Genetics/Laboratory Corporation of America, LabCorp
Classification: Uncertain significance. Last evaluated: 2024-06-03. Review status: criteria provided, single submitter. Criteria: LabCorp Variant Classification Summary - May 2015. Collection method: clinical testing. Allele origin: germline.
Comment: Variant summary: MTR c.1784A>C (p.His595Pro) results in a non-conservative amino acid change in the pterin-binding domain (IPR000489) of the encoded protein sequence. Five of five in-silico tools predict a damaging effect of the variant on protein function. The variant was absent in 251302 control chromosomes. The available data on variant occurrences in the general population are insufficient to allow any conclusion about variant significance. c.1784A>C has been reported in the literature in the compound heterozygous state in at least one individual affected with Methylcobalamin deficiency type cblG (e.g. Watkins_2019). These data do not allow any conclusion about variant significance. To our knowledge, no experimental evidence demonstrating an impact on protein function has been reported. The following publication have been ascertained in the context of this evaluation (PMID: 12068375). No submitters have cited clinical-significance assessments for this variant to ClinVar. Based on the evidence outlined above, the variant was classified as uncertain significance.

Literature cited by the submitters: PubMed 12068375 (cited by Women's Health and Genetics/Laboratory Corporation of America, LabCorp).